The following is an entry in ClinVar:

ClinVar aggregate classification (germline): Likely pathogenic (1 of 4 stars; one submission).

Conditions:
Intellectual developmental disorder, autosomal dominant 6, with or without seizures. Also called: Intellectual disability, autosomal dominant 6; GRIN2B-related developmental delay, intellectual disability and autism spectrum disorder. Identifiers: Orphanet 589547, MedGen C3151411, MONDO:0013509, OMIM 613970.
Developmental and epileptic encephalopathy, 27 (DEE27). Also called: Epileptic encephalopathy, early infantile, 27; GRIN2B-Related Neurodevelopmental Disorder. Identifiers: Orphanet 3451, MedGen C4015316, MONDO:0014505, OMIM 616139.

Submission:

Labcorp Genetics (formerly Invitae), Labcorp
Classification: Likely pathogenic for Developmental and epileptic encephalopathy, 27; Intellectual developmental disorder, autosomal dominant 6, with or without seizures. Last evaluated: 2021-07-04. Review status: criteria provided, single submitter. Criteria: Invitae Variant Classification Sherloc (09022015). Collection method: clinical testing. Allele origin: germline.
Comment: In summary, the currently available evidence indicates that the variant is pathogenic, but additional data are needed to prove that conclusively. Therefore, this variant has been classified as Likely Pathogenic. Algorithms developed to predict the effect of sequence changes on RNA splicing suggest that this variant may disrupt the consensus splice site. This variant has not been reported in the literature in individuals affected with GRIN2B-related conditions. This variant is not present in population databases (ExAC no frequency). This sequence change affects an acceptor splice site in intron 2 of the GRIN2B gene. It is expected to disrupt RNA splicing. Variants that disrupt the donor or acceptor splice site typically lead to a loss of protein function (PMID: 16199547), and loss-of-function variants in GRIN2B are known to be pathogenic (PMID: 28377535).

Literature cited by the submitters: PubMed 16199547; PubMed 28377535.

NM_000834.5(GRIN2B):c.412-2A>G

Gene: GRIN2B (glutamate ionotropic receptor NMDA type subunit 2B; minus strand). Cytogenetic location: 12p13.1.
Variant type: single nucleotide variant.
Coding change: c.412-2A>G on transcript NM_000834.5 (MANE Select); the canonical splice acceptor site of the intron before coding-DNA position 412, A replaced by G.
Molecular consequence: splice acceptor variant.
Genome position (GRCh38, 1-based): chr12:13,753,917, T>C on the plus strand (A>G on the coding strand, the complement: GRIN2B is on the minus strand). VCF-style: chr12-13753917-T-C. GRCh37 (hg19) VCF-style: chr12-13906851-T-C.
Other names: c.412-2A>G (NM_001413992.1, NM_001413993.1, NM_001413994.1 and 1 more transcripts).
Identifiers: ClinVar variation 1476056 (VCV001476056.6), dbSNP rs2136629609, ClinGen allele CA384054970.
Genomic context (GRCh38, chr12:13,753,917, plus strand): 5'-ATTACGGAAGCTTGCTGTTCAATTGATGGGCCAAACTGGAAGAACATGGAGGATTCATCC[T>C]AGAAAAAGAACAGGACAAAAAAAGGAAGAGAGAAAAAAATCAAACCAAAGATGGTAATGG-3'